The following is an entry in ClinVar:

NM_006005.3(WFS1):c.1112G>A (p.Trp371Ter)

Gene: WFS1 (wolframin ER transmembrane glycoprotein; plus strand). Cytogenetic location: 4p16.1.
Variant type: single nucleotide variant.
Coding change: c.1112G>A on transcript NM_006005.3 (MANE Select); coding-DNA position 1112, G replaced by A.
Protein change: p.Trp371Ter; replaces tryptophan 371 with a stop codon.
Molecular consequence: nonsense.
Genome position (GRCh38, 1-based): chr4:6,300,907, G>A. VCF-style: chr4-6300907-G-A. GRCh37 (hg19) VCF-style: chr4-6302634-G-A.
Other names: c.1112G>A, p.Trp371Ter (NM_001145853.1); short protein forms W371*.
Identifiers: ClinVar variation 1709531 (VCV001709531.2), dbSNP rs1730863609, ClinGen allele CA356174279.

ClinVar aggregate classification (germline): Pathogenic (1 of 4 stars; one submission).

Conditions:
Wolfram syndrome 1 (WFS1). Identifiers: Orphanet 3463, MedGen C4551693, MONDO:0009101, OMIM 222300.

Allele frequency attached by ClinVar (database versions not stated): TOPMed below 0.00001.

Submission:

MGZ Medical Genetics Center
Classification: Pathogenic for Wolfram syndrome 1. Last evaluated: 2022-07-19. Review status: criteria provided, single submitter. Criteria: ACMG Guidelines, 2015. Collection method: clinical testing. Allele origin: germline. Affected: yes. Observed: 1 variant allele.
Comment: ACMG criteria applied: PVS1, PS4_MOD, PM2_SUP